The following is an entry in ClinVar:

NM_000426.4(LAMA2):c.5446-2016A>G

Gene: LAMA2 (laminin subunit alpha 2; plus strand). Cytogenetic location: 6q22.33.
Variant type: single nucleotide variant.
Coding change: c.5446-2016A>G on transcript NM_000426.4 (MANE Select); 2016 bases into the intron before coding-DNA position 5446, A replaced by G.
Molecular consequence: intron variant.
Genome position (GRCh38, 1-based): chr6:129,399,208, A>G. VCF-style: chr6-129399208-A-G. GRCh37 (hg19) VCF-style: chr6-129720353-A-G.
Other names: c.5446-2016A>G (NM_001079823.2).
Identifiers: ClinVar variation 4530571 (VCV004530571.2).

ClinVar aggregate classification (germline): Likely pathogenic (1 of 4 stars; one submission).

Conditions:
Muscular dystrophy, limb-girdle, autosomal recessive 23. Identifiers: Orphanet 565837, MedGen C4748327, MONDO:0029136, OMIM 618138.

Submission:

Institute of Human Genetics, University of Leipzig Medical Center
Classification: Likely pathogenic for Muscular dystrophy, limb-girdle, autosomal recessive 23. Last evaluated: 2025-10-01. Review status: criteria provided, single submitter. Criteria: ACMG Guidelines, 2015. Collection method: clinical testing. Allele origin: maternal. Inheritance: Autosomal recessive inheritance. Affected: yes.
Comment: Criteria applied: PM2,PM3,PP3,PP4; Identified as compund heterozygous with NM_000426.4:c.5116C>T